The following is an entry in ClinVar:

NM_000059.4(BRCA2):c.2390A>G (p.Lys797Arg)

Gene: BRCA2 (BRCA2 DNA repair associated; plus strand). Cytogenetic location: 13q13.1.
Variant type: single nucleotide variant.
Coding change: c.2390A>G on transcript NM_000059.4 (MANE Select); coding-DNA position 2390, A replaced by G.
Protein change: p.Lys797Arg; replaces lysine 797 with arginine.
Molecular consequence: missense variant.
Genome position (GRCh38, 1-based): chr13:32,336,745, A>G. VCF-style: chr13-32336745-A-G. GRCh37 (hg19) VCF-style: chr13-32910882-A-G.
Other names: short protein forms K797R.
Identifiers: ClinVar variation 998563 (VCV000998563.16), dbSNP rs2072456610, ClinGen allele CA387771894.

ClinVar aggregate classification (germline): Conflicting classifications of pathogenicity. Review status: criteria provided, conflicting classifications (1 of 4 stars). 4 submissions from 4 submitters: Uncertain significance (3); Likely benign (1). Last evaluated 2023-10-16.

Conditions:
Hereditary cancer-predisposing syndrome. Also called: Neoplastic Syndromes, Hereditary; Tumor predisposition; Hereditary Cancer Syndrome; Hereditary neoplastic syndrome. Identifiers: Orphanet 140162, MedGen C0027672, MeSH D009386, MONDO:0015356.
Hereditary breast ovarian cancer syndrome. Also called: Hereditary breast and ovarian cancer syndrome; Hereditary breast and/or ovarian cancer syndrome; Hereditary breast and ovarian cancer syndrome (HBOC); Breast and ovarian cancer; BRCA1- and BRCA2-Associated Hereditary Breast and Ovarian Cancer; Hereditary breast and ovarian cancer. Identifiers: Orphanet 145, MedGen C0677776, MeSH D061325, MONDO:0003582. Disease mechanism: loss of function.

Submissions (4):

Women's Health and Genetics/Laboratory Corporation of America, LabCorp
Classification: Uncertain significance. Last evaluated: 2023-10-16. Review status: criteria provided, single submitter. Criteria: LabCorp Variant Classification Summary - May 2015. Collection method: clinical testing. Allele origin: germline.
Comment: Variant summary: BRCA2 c.2390A>G (p.Lys797Arg) results in a conservative amino acid change in the encoded protein sequence. Five of five in-silico tools predict a benign effect of the variant on protein function. The variant was absent in 250296 control chromosomes. The available data on variant occurrences in the general population are insufficient to allow any conclusion about variant significance. To our knowledge, no occurrence of c.2390A>G in individuals affected with Hereditary Breast And Ovarian Cancer Syndrome and no experimental evidence demonstrating its impact on protein function have been reported. Three submitters have cited clinical-significance assessments for this variant to ClinVar after 2014. Two classified the variant as uncertain significance, and one classified the variant as likely benign. Based on the evidence outlined above, the variant was classified as uncertain significance.

University of Washington Department of Laboratory Medicine, University of Washington
Classification: Likely benign for Hereditary cancer-predisposing syndrome. Last evaluated: 2023-03-23. Review status: criteria provided, single submitter. Criteria: Dines et al. (Genet Med. 2020). Collection method: curation. Allele origin: germline.
Comment: Missense variant in a coldspot region where missense variants are very unlikely to be pathogenic (PMID:31911673).

BRCA2 exon 11 coldspot. Reclassification based on statistical prior probability.

Ambry Genetics
Classification: Uncertain significance for Hereditary cancer-predisposing syndrome. Last evaluated: 2022-07-26. Review status: criteria provided, single submitter. Criteria: Ambry Variant Classification Scheme 2023. Collection method: clinical testing. Allele origin: germline.
Comment: The p.K797R variant (also known as c.2390A>G), located in coding exon 10 of the BRCA2 gene, results from an A to G substitution at nucleotide position 2390. The lysine at codon 797 is replaced by arginine, an amino acid with highly similar properties. This amino acid position is poorly conserved in available vertebrate species. In addition, this alteration is predicted to be tolerated by in silico analysis. Since supporting evidence is limited at this time, the clinical significance of this alteration remains unclear.

Labcorp Genetics (formerly Invitae), Labcorp
Classification: Uncertain significance for Hereditary breast ovarian cancer syndrome. Last evaluated: 2020-03-18. Review status: criteria provided, single submitter. Criteria: Invitae Variant Classification Sherloc (09022015). Collection method: clinical testing. Allele origin: germline.
Comment: In summary, the available evidence is currently insufficient to determine the role of this variant in disease. Therefore, it has been classified as a Variant of Uncertain Significance. Algorithms developed to predict the effect of missense changes on protein structure and function are either unavailable or do not agree on the potential impact of this missense change (SIFT: "Tolerated"; PolyPhen-2: "Possibly Damaging"; Align-GVGD: "Class C0"). This variant has not been reported in the literature in individuals with BRCA2-related conditions. This variant is not present in population databases (ExAC no frequency). This sequence change replaces lysine with arginine at codon 797 of the BRCA2 protein (p.Lys797Arg). The lysine residue is moderately conserved and there is a small physicochemical difference between lysine and arginine.